The following is an entry in ClinVar:

ClinVar aggregate classification (germline): Pathogenic (1 of 4 stars; one submission).

Submission:

CeGaT Center for Human Genetics Tuebingen
Classification: Pathogenic. Last evaluated: 2026-05-01. Review status: criteria provided, single submitter. Criteria: CeGaT Center For Human Genetics Tuebingen Variant Classification Criteria Version 2. Collection method: clinical testing. Allele origin: germline. Affected: yes. Observed: 1 variant allele.
Comment: FANCA: PVS1, PM2

NM_000135.4(FANCA):c.2177del (p.Phe726fs)

Gene: FANCA (FA complementation group A; minus strand). Cytogenetic location: 16q24.3.
Variant type: Deletion.
Coding change: c.2177del on transcript NM_000135.4 (MANE Select); coding-DNA position 2177, one base deleted (T; older notation c.2177delT).
Protein change: p.Phe726fs; shifts the reading frame from phenylalanine 726.
Molecular consequence: frameshift variant.
Genome position (GRCh38, 1-based): chr16:89,770,609, A deleted on the plus strand (T on the coding strand, the reverse complement: FANCA is on the minus strand); the first of 3 consecutive A bases (chr16:89,770,609-89,770,611); deleting any one gives the same sequence. VCF-style (leftmost placement, unchanged base first): chr16-89770608-GA-G. GRCh37 (hg19) VCF-style: chr16-89837016-GA-G.
Other names: c.2177del, p.Phe726fs (NM_001286167.3); short protein forms F726fs.
Identifiers: ClinVar variation 4875176 (VCV004875176.2).